The following is an entry in ClinVar:

NM_005585.5(SMAD6):c.223C>T (p.Arg75Ter)

Gene: SMAD6 (SMAD family member 6; plus strand). Cytogenetic location: 15q22.31.
Variant type: single nucleotide variant.
Coding change: c.223C>T on transcript NM_005585.5 (MANE Select); coding-DNA position 223, C replaced by T.
Protein change: p.Arg75Ter; replaces arginine 75 with a stop codon.
Molecular consequence: nonsense. On other transcripts: non-coding transcript variant (1).
Genome position (GRCh38, 1-based): chr15:66,703,481, C>T. VCF-style: chr15-66703481-C-T. GRCh37 (hg19) VCF-style: chr15-66995819-C-T.
Other names: short protein forms R75*.
Identifiers: ClinVar variation 690410 (VCV000690410.12), dbSNP rs1595756640, ClinGen allele CA392948961.

ClinVar aggregate classification (germline): Conflicting classifications of pathogenicity. Review status: criteria provided, conflicting classifications (1 of 4 stars). 3 submissions from 3 submitters: Pathogenic (1); Uncertain significance (1). 1 of the submissions does not count toward it. Last evaluated 2026-10-09.

Conditions:
Aortic valve disease 2 (AOVD2). Identifiers: MedGen C3542024, MONDO:0013902, OMIM 614823.
Radioulnar synostosis. Also called: Congenital radioulnar synostosis. Identifiers: Orphanet 3269, MedGen C0158761, MONDO:0017985, HP:0002974.

gnomAD v4.1: 6 of 1,238,144 alleles (0.00048%); highest among the groups gnomAD compares: Non-Finnish European, 0.00061%; no homozygotes.

Submissions (3):

GeneDx
Classification: Pathogenic. Last evaluated: 2026-10-09. Review status: criteria provided, single submitter. Criteria: GeneDx Variant Classification Process June 2021. Collection method: clinical testing. Allele origin: germline.
Comment: Nonsense variant predicted to result in protein truncation or nonsense mediated decay in a gene for which loss of function is a known mechanism of disease; Not observed at significant frequency in large population cohorts (gnomAD); This variant is associated with the following publications: (PMID: 34328347, 31138930)

Labcorp Genetics (formerly Invitae), Labcorp
Classification: Uncertain significance for Aortic valve disease 2. Last evaluated: 2022-05-30. Review status: criteria provided, single submitter. Criteria: Invitae Variant Classification Sherloc (09022015). Collection method: clinical testing. Allele origin: germline.
Comment: This sequence change creates a premature translational stop signal (p.Arg75*) in the SMAD6 gene. It is expected to result in an absent or disrupted protein product. However, the current clinical and genetic evidence is not sufficient to establish whether loss-of-function variants in SMAD6 cause disease. This variant is not present in population databases (gnomAD no frequency). This premature translational stop signal has been observed in individual(s) with SMAD6-related conditions (PMID: 31138930). ClinVar contains an entry for this variant (Variation ID: 690410). In summary, the available evidence is currently insufficient to determine the role of this variant in disease. Therefore, it has been classified as a Variant of Uncertain Significance.

The Laboratory of Genetics and Metabolism, Hunan Children’s Hospital
Classification: Pathogenic for radioulnar synostosis. Last evaluated: 2019-05-14. Review status: no assertion criteria provided. Collection method: case-control. Allele origin: unknown. Affected: yes. Not counted in ClinVar's aggregate classification.
Comment: PVS1, PM2, PP3, PP4

Literature cited by the submitters: PubMed 31138930 (cited by Labcorp Genetics (formerly Invitae), Labcorp).